The following is an entry in ClinVar:

ClinVar aggregate classification (germline): Pathogenic (1 of 4 stars; one submission).

Submission:

CeGaT Center for Human Genetics Tuebingen
Classification: Pathogenic. Last evaluated: 2026-04-01. Review status: criteria provided, single submitter. Criteria: CeGaT Center For Human Genetics Tuebingen Variant Classification Criteria Version 2. Collection method: clinical testing. Allele origin: germline. Affected: yes. Observed: 1 variant allele.
Comment: DYSF: PVS1, PM2

NM_001130987.2(DYSF):c.2950_2963del (p.Ile984fs)

Gene: DYSF (dysferlin; plus strand). Cytogenetic location: 2p13.2.
Variant type: Deletion.
Coding change: c.2950_2963del on transcript NM_001130987.2 (MANE Select); coding-DNA positions 2950 to 2963, 14 bases deleted (ATCTACATGAGTGA).
Protein change: p.Ile984fs; shifts the reading frame from isoleucine 984.
Molecular consequence: frameshift variant.
Genome position (GRCh38, 1-based): chr2:71,569,905-71,569,918, ATCTACATGAGTGA deleted. VCF-style (leftmost placement, unchanged base first): chr2-71569904-GATCTACATGAGTGA-G. GRCh37 (hg19) VCF-style: chr2-71797034-GATCTACATGAGTGA-G.
Other names: c.2899_2912del, p.Ile967fs (NM_001130455.2, NM_001130983.2); c.2854_2867del, p.Ile952fs (NM_001130976.2, NM_001130977.2); c.2896_2909del, p.Ile966fs (NM_001130978.2, NM_003494.4); c.2989_3002del, p.Ile997fs (NM_001130979.2); c.2947_2960del, p.Ile983fs (NM_001130980.2, NM_001130981.2); c.2992_3005del, p.Ile998fs (NM_001130982.2); c.2857_2870del, p.Ile953fs (NM_001130984.2, NM_001130986.2); c.2950_2963del, p.Ile984fs (NM_001130985.2); short protein forms I952fs, I953fs, I966fs, I967fs, I983fs, I984fs, I997fs, I998fs.
Identifiers: ClinVar variation 4874611 (VCV004874611.2).